The following is an entry in ClinVar:

NM_001142285.2(RPS24):c.814C>T (p.His272Tyr)

Gene: RPS24 (ribosomal protein S24; plus strand). Cytogenetic location: 10q22.3.
Variant type: single nucleotide variant.
Coding change: c.814C>T on transcript NM_001142285.2; coding-DNA position 814, C replaced by T.
Protein change: p.His272Tyr; replaces histidine 272 with tyrosine.
Molecular consequence: missense variant.
Genome position (GRCh38, 1-based): chr10:78,054,954, C>T. VCF-style: chr10-78054954-C-T. GRCh37 (hg19) VCF-style: chr10-79814712-C-T.
Other names: short protein forms H272Y.
Identifiers: ClinVar variation 2636008 (VCV002636008.1), dbSNP rs887277964, ClinGen allele CA210201001.
Genomic context (GRCh38, chr10:78,054,954, plus strand): 5'-TTGACTCTGTCACCCCACATCCAGGCCATCAACAAGTCTTTTGGCCCTTTCTTTGAAATC[C>T]ACCAGGAATCCAGCTGCTTCTCCCCACCTTCCTGCCTCTCTGGTCTGGGCCACTAATGTC-3'

ClinVar aggregate classification (germline): Uncertain significance (1 of 4 stars; one submission).

Conditions:
RPS24-related disorder. Also called: RPS24-related condition.

Allele frequency attached by ClinVar (database versions not stated): gnomAD exomes 0.00005; gnomAD 0.00009; TOPMed 0.00008.
gnomAD v4.1: 81 of 1,490,224 alleles (0.0054%); highest among the groups gnomAD compares: Non-Finnish European, 0.0072%; no homozygotes.

Submission:

PreventionGenetics, part of Exact Sciences
Classification: Uncertain significance for RPS24-related condition. Last evaluated: 2022-09-15. Review status: criteria provided, single submitter. Criteria: ACMG Guidelines, 2015. Collection method: clinical testing. Allele origin: germline.
Comment: The RPS24 c.814C>T variant is predicted to result in the amino acid substitution p.His272Tyr. To our knowledge, this variant has not been reported in the literature. This variant is reported in 0.013% of alleles in individuals of European (Non-Finnish) descent in gnomAD. Although we suspect that this variant may be benign, at this time, the clinical significance of this variant is uncertain due to the absence of conclusive functional and genetic evidence.